The following is an entry in ClinVar:

ClinVar aggregate classification (germline): Uncertain significance (1 of 4 stars; one submission).

Conditions:
CHD1L-related disorder. Also called: CHD1L-related condition.

gnomAD v4.1: 28 of 1,602,066 alleles (0.0017%); highest among the groups gnomAD compares: Non-Finnish European, 0.0021%; no homozygotes.

Submission:

PreventionGenetics, part of Exact Sciences
Classification: Uncertain significance for CHD1L-related condition. Last evaluated: 2026-07-15. Review status: criteria provided, single submitter. Criteria: ACMG Guidelines, 2015. Collection method: clinical testing. Allele origin: germline.
Comment: The CHD1L c.2616A>G variant is predicted to result in the amino acid substitution p.Ile872Met. To our knowledge, this variant has not been reported in the literature. This variant is reported in 0.0036% of alleles in individuals of European (Non-Finnish) descent in gnomAD. At this time, the clinical significance of this variant is uncertain due to the absence of conclusive functional and genetic evidence.

NM_004284.6(CHD1L):c.2616A>G (p.Ile872Met)

Gene: CHD1L (chromodomain helicase DNA binding protein 1 like; plus strand). Cytogenetic location: 1q21.1.
Variant type: single nucleotide variant.
Coding change: c.2616A>G on transcript NM_004284.6 (MANE Select); coding-DNA position 2616, A replaced by G.
Protein change: p.Ile872Met; replaces isoleucine 872 with methionine.
Molecular consequence: missense variant. On other transcripts: non-coding transcript variant (16).
Genome position (GRCh38, 1-based): chr1:147,295,431, A>G. VCF-style: chr1-147295431-A-G. GRCh37 (hg19) VCF-style: chr1-146767112-A-G.
Other names: c.2316A>G, p.Ile772Met (NM_001256336.3); c.1773A>G, p.Ile591Met (NM_001256337.3, NM_001348456.2, NM_001348457.2 and 9 more transcripts); c.2004A>G, p.Ile668Met (NM_001256338.3); c.2400A>G, p.Ile800Met (NM_001348451.2, NM_001348452.2); c.2277A>G, p.Ile759Met (NM_001348453.2, NM_024568.4); c.2160A>G, p.Ile720Met (NM_001348454.2); c.2127A>G, p.Ile709Met (NM_001348455.2); short protein forms I759M, I872M, I772M, I668M, I591M, I709M, I720M, I800M.
Identifiers: ClinVar variation 4990048 (VCV004990048.1).